The following is an entry in ClinVar:

NM_000256.3(MYBPC3):c.1405C>T (p.Gln469Ter)

Gene: MYBPC3 (myosin binding protein C3; minus strand). Cytogenetic location: 11p11.2.
Variant type: single nucleotide variant.
Coding change: c.1405C>T on transcript NM_000256.3 (MANE Select); coding-DNA position 1405, C replaced by T.
Protein change: p.Gln469Ter; replaces glutamine 469 with a stop codon.
Molecular consequence: nonsense.
Genome position (GRCh38, 1-based): chr11:47,342,882, G>A on the plus strand (C>T on the coding strand, the complement: MYBPC3 is on the minus strand). VCF-style: chr11-47342882-G-A. GRCh37 (hg19) VCF-style: chr11-47364433-G-A.
Other names: p.Q469*:CAG>TAG; c.1405C>T, p.Gln469Ter (LRG_386t1); short protein forms Q469*.
Identifiers: ClinVar variation 180934 (VCV000180934.5), dbSNP rs730880539, ClinGen allele CA010259.

ClinVar aggregate classification (germline): Pathogenic. Review status: criteria provided, multiple submitters, no conflicts (2 of 4 stars). 3 submissions from 3 submitters: Pathogenic (3). Last evaluated 2024-08-16.

Conditions:
Cardiovascular phenotype. Identifiers: MedGen CN230736.
MYBPC3-related disorder. Also called: MYBPC3-related condition; MYBPC3-related disease; MYBPC3-related disorders.

Submissions (3):

Blueprint Genetics
Classification: Pathogenic for MYBPC3-related disorders. Last evaluated: 2024-08-16. Review status: criteria provided, single submitter. Criteria: ACMG Guidelines, 2015. Collection method: clinical testing. Allele origin: germline. Affected: yes. Observed: 1 variant allele.

Ambry Genetics
Classification: Pathogenic for Cardiovascular phenotype. Last evaluated: 2022-06-29. Review status: criteria provided, single submitter. Criteria: Ambry Variant Classification Scheme 2023. Collection method: clinical testing. Allele origin: germline.
Comment: The p.Q469* pathogenic mutation (also known as c.1405C>T), located in coding exon 16 of the MYBPC3 gene, results from a C to T substitution at nucleotide position 1405. This changes the amino acid from a glutamine to a stop codon within coding exon 16. This alteration has been detected in individuals from hypertrophic cardiomyopathy (HCM) cohorts and cohorts referred for HCM genetic testing (Walsh R et al. Genet Med, 2017 02;19:192-203; Helms AS et al. Circ Genom Precis Med, 2020 10;13:396-405; Wu G et al. J Am Heart Assoc, 2021 02;10:e018236). In addition to the clinical data presented in the literature, this alteration is expected to result in loss of function by premature protein truncation or nonsense-mediated mRNA decay. As such, this alteration is interpreted as a disease-causing mutation.

GeneDx
Classification: Pathogenic. Last evaluated: 2013-11-11. Review status: criteria provided, single submitter. Criteria: GeneDx Variant Classification (06012015). Collection method: clinical testing. Allele origin: germline. Affected: yes.
Comment: p.Gln469Stop (CAG>TAG): c.1405 C>T in exon 16 of the MYBPC3 gene (NM_000256.3) The Gln469Stop mutation in the MYBPC3 gene has not been reported as a disease-causing mutation or as a benign polymorphism to our knowledge. Gln469Stop is predicted to cause loss of normal protein function either by protein truncation or nonsense-mediated mRNA decay. Other nonsense mutations in the MYBPC3 gene have been reported in association with HCM. In summary, Gln469Stop in the MYBPC3 gene is interpreted as a disease-causing mutation. Mutations in the MYBPC3 gene have been reported in 20%-30% of patients with autosomal dominant familial hypertrophic cardiomyopathy, and have been reported less frequently in patients with autosomal dominant familial dilated cardiomyopathy (Cirino A et al., 2011; Hershberger R et al., 2009). The variant is found in HCM panel(s).

Literature cited by the submitters: PubMed 27532257 (cited by Ambry Genetics); PubMed 32841044 (cited by Ambry Genetics); PubMed 33586461 (cited by Ambry Genetics).